The following is an entry in ClinVar:

NM_207361.6(FREM2):c.331G>A (p.Asp111Asn)

Gene: FREM2 (FRAS1 related extracellular matrix 2; plus strand). Cytogenetic location: 13q13.3.
Variant type: single nucleotide variant.
Coding change: c.331G>A on transcript NM_207361.6 (MANE Select); coding-DNA position 331, G replaced by A.
Protein change: p.Asp111Asn; replaces aspartic acid 111 with asparagine.
Molecular consequence: missense variant.
Genome position (GRCh38, 1-based): chr13:38,687,675, G>A. VCF-style: chr13-38687675-G-A. GRCh37 (hg19) VCF-style: chr13-39261812-G-A.
Other names: short protein forms D111N.
Identifiers: ClinVar variation 1390073 (VCV001390073.6), dbSNP rs1448740276, ClinGen allele CA387882007.

ClinVar aggregate classification (germline): Uncertain significance (1 of 4 stars; one submission).

Allele frequency attached by ClinVar (database versions not stated): gnomAD exomes below 0.00001.
gnomAD v4.1: 1 of 1,594,330 alleles (0.000063%); highest among the groups gnomAD compares: Admixed American, 0.0017%; no homozygotes.

Submission:

Labcorp Genetics (formerly Invitae), Labcorp
Classification: Uncertain significance. Last evaluated: 2024-10-15. Review status: criteria provided, single submitter. Criteria: Invitae Variant Classification Sherloc (09022015). Collection method: clinical testing. Allele origin: germline.
Comment: This sequence change replaces aspartic acid, which is acidic and polar, with asparagine, which is neutral and polar, at codon 111 of the FREM2 protein (p.Asp111Asn). The frequency data for this variant in the population databases is considered unreliable, as metrics indicate poor data quality at this position in the gnomAD database. This variant has not been reported in the literature in individuals affected with FREM2-related conditions. ClinVar contains an entry for this variant (Variation ID: 1390073). Invitae Evidence Modeling of protein sequence and biophysical properties (such as structural, functional, and spatial information, amino acid conservation, physicochemical variation, residue mobility, and thermodynamic stability) has been performed for this missense variant. However, the output from this modeling did not meet the statistical confidence thresholds required to predict the impact of this variant on FREM2 protein function. In summary, the available evidence is currently insufficient to determine the role of this variant in disease. Therefore, it has been classified as a Variant of Uncertain Significance.